The following is an entry in ClinVar:

NM_001297.5(CNGB1):c.2893-4A>G

Gene: CNGB1 (cyclic nucleotide gated channel subunit beta 1; minus strand). Cytogenetic location: 16q21.
Variant type: single nucleotide variant.
Coding change: c.2893-4A>G on transcript NM_001297.5 (MANE Select); 4 bases into the intron before coding-DNA position 2893, A replaced by G.
Molecular consequence: intron variant.
Genome position (GRCh38, 1-based): chr16:57,901,439, T>C on the plus strand (A>G on the coding strand, the complement: CNGB1 is on the minus strand). VCF-style: chr16-57901439-T-C. GRCh37 (hg19) VCF-style: chr16-57935343-T-C.
Other names: c.2875-4A>G (NM_001286130.2); c.2893-4A>G (NM_001297.4).
Identifiers: ClinVar variation 1157019 (VCV001157019.11), dbSNP rs200104597, ClinGen allele CA8082766.
Genomic context (GRCh38, chr16:57,901,439, plus strand): 5'-GTAGACAACAGAGCGAAGCCTCTTCAGCATGTCAAAGATCATCTGCCGGTCACAGCCCTG[T>C]CCCGGTGAGGAAGGGAAAGGAACTTTTTAGAGAAGATTGGGCTTGGAGCCTCCCACAGCC-3'

ClinVar aggregate classification (germline): Likely benign. Review status: criteria provided, multiple submitters, no conflicts (2 of 4 stars). 3 submissions from 3 submitters: Likely benign (3). Last evaluated 2026-01-25.

Conditions:
CNGB1-related disorder. Also called: CNGB1-related condition.

Allele frequency attached by ClinVar (database versions not stated): ExAC 0.00003; gnomAD exomes 0.00003 and 0.00006; gnomAD 0.00013 and 0.00014; TOPMed 0.00021; ESP Exome Variant Server 0.00040.
gnomAD v4.1: 62 of 1,614,006 alleles (0.0038%); highest among the groups gnomAD compares: African/African-American, 0.068%; no homozygotes.

Submissions (3):

Labcorp Genetics (formerly Invitae), Labcorp
Classification: Likely benign. Last evaluated: 2026-01-25. Review status: criteria provided, single submitter. Criteria: Invitae Variant Classification Sherloc (09022015). Collection method: clinical testing. Allele origin: germline.

PreventionGenetics, part of Exact Sciences
Classification: Likely benign for CNGB1-related condition. Last evaluated: 2025-08-02. Review status: criteria provided, single submitter. Criteria: ACMG Guidelines, 2015. Collection method: clinical testing. Allele origin: germline.
Comment: This variant is classified as likely benign based on ACMG/AMP sequence variant interpretation guidelines (Richards et al. 2015 PMID: 25741868, with internal and published modifications).

Blueprint Genetics
Classification: Likely benign. Last evaluated: 2021-09-15. Review status: criteria provided, single submitter. Criteria: ACMG Guidelines, 2015. Collection method: clinical testing. Allele origin: germline.